The following is an entry in ClinVar:

NM_001291415.2(KDM6A):c.3389C>G (p.Pro1130Arg)

Gene: KDM6A (lysine demethylase 6A; plus strand). Cytogenetic location: Xp11.3.
Variant type: single nucleotide variant.
Coding change: c.3389C>G on transcript NM_001291415.2 (MANE Select); coding-DNA position 3389, C replaced by G.
Protein change: p.Pro1130Arg; replaces proline 1130 with arginine.
Molecular consequence: missense variant. On other transcripts: non-coding transcript variant (1).
Genome position (GRCh38, 1-based): chrX:45,082,738, C>G. VCF-style: chrX-45082738-C-G. GRCh37 (hg19) VCF-style: chrX-44941983-C-G.
Other names: c.2996C>G, p.Pro999Arg (NM_001419815.1, NM_001291418.2); c.3233C>G, p.Pro1078Arg (NM_021140.4, NM_001419812.1); c.3098C>G, p.Pro1033Arg (NM_001291417.2); c.2345C>G, p.Pro782Arg (NM_001291421.2); c.3131C>G, p.Pro1044Arg (NM_001410742.1, NM_001419814.1); c.3389C>G, p.Pro1130Arg (NM_001419809.1); c.3287C>G, p.Pro1096Arg (NM_001419810.1, NM_001419813.1); c.3254C>G, p.Pro1085Arg (NM_001419811.1, NM_001291416.2); short protein forms P1033R, P1078R, P1096R, P782R, P1085R, P1130R, P999R, P1044R.
Identifiers: ClinVar variation 4738691 (VCV004738691.1).
Genomic context (GRCh38, chrX:45,082,738, plus strand): 5'-AAAAGGCATGTTTCTAATACTGTGTCTCTTTTTTAAGTTCTGGGAGGAGGAGGAAAGGAC[C>G]CTTTAAAACCATAAAGTTTGGGACCAATATTGACCTATCTGATGACAAAAAGTAAGTCCT-3'
Protein context (NP_001278344.1, residues 1120-1140): SDNSGRRRKG[Pro1130Arg]FKTIKFGTNI

ClinVar aggregate classification (germline): Uncertain significance (1 of 4 stars; one submission).

Conditions:
Kabuki syndrome 2 (KABUK2). Also called: KDM6A-Related Kabuki Syndrome. Identifiers: Orphanet 2322, MedGen C3275495, MONDO:0010465, OMIM 300867.

Submission:

Labcorp Genetics (formerly Invitae), Labcorp
Classification: Uncertain significance for Kabuki syndrome 2. Last evaluated: 2025-08-31. Review status: criteria provided, single submitter. Criteria: Invitae Variant Classification Sherloc (09022015). Collection method: clinical testing. Allele origin: germline.
Comment: This sequence change replaces proline, which is neutral and non-polar, with arginine, which is basic and polar, at codon 1078 of the KDM6A protein (p.Pro1078Arg). This variant is not present in population databases (gnomAD no frequency). This variant has not been reported in the literature in individuals affected with KDM6A-related conditions. Invitae Evidence Modeling of protein sequence and biophysical properties (such as structural, functional, and spatial information, amino acid conservation, physicochemical variation, residue mobility, and thermodynamic stability) indicates that this missense variant is not expected to disrupt KDM6A protein function with a negative predictive value of 80%. In summary, the available evidence is currently insufficient to determine the role of this variant in disease. Therefore, it has been classified as a Variant of Uncertain Significance.